The following is an entry in ClinVar:

NM_001371279.1(REEP1):c.792T>G (p.Pro264=)

Gene: REEP1 (receptor accessory protein 1; minus strand). Cytogenetic location: 2p11.2.
Variant type: single nucleotide variant.
Coding change: c.792T>G on transcript NM_001371279.1 (MANE Select); coding-DNA position 792, T replaced by G.
Protein change: p.Pro264=; no amino-acid change (proline 264 retained).
Molecular consequence: synonymous variant. On other transcripts: stop lost (3).
Genome position (GRCh38, 1-based): chr2:86,217,102, A>C on the plus strand (T>G on the coding strand, the complement: REEP1 is on the minus strand). VCF-style: chr2-86217102-A-C. GRCh37 (hg19) VCF-style: chr2-86444225-A-C.
Other names: c.625T>G, p.Ter209Glu (NM_001164730.2); c.523T>G, p.Ter175Glu (NM_001164731.2); c.369T>G, p.Pro123= (NM_001164732.2); c.426T>G, p.Pro142= (NM_001371280.1); c.604T>G, p.Ter202Glu (NM_022912.3).
Identifiers: ClinVar variation 1469791 (VCV001469791.8), dbSNP rs2103944449, ClinGen allele CA347544369.

ClinVar aggregate classification (germline): Uncertain significance (1 of 4 stars; one submission).

Conditions:
Hereditary spastic paraplegia 31. Also called: SPASTIC PARAPLEGIA 31, AUTOSOMAL DOMINANT. Identifiers: Orphanet 101011, MedGen C1853247, MONDO:0012453, OMIM 610250.

Submission:

Labcorp Genetics (formerly Invitae), Labcorp
Classification: Uncertain significance for Hereditary spastic paraplegia 31. Last evaluated: 2021-03-22. Review status: criteria provided, single submitter. Criteria: Invitae Variant Classification Sherloc (09022015). Collection method: clinical testing. Allele origin: germline.
Comment: This variant is not present in population databases (ExAC no frequency). This variant has not been reported in the literature in individuals with REEP1-related conditions. Experimental studies and prediction algorithms are not available or were not evaluated, and the functional significance of this variant is currently unknown. This variant results in an extension of the REEP1 protein. Other variant(s) that result in a similarly extended protein product (p.*202Trpext*54) have been observed in individuals with REEP1-related conditions (PMID: 29124833). This suggests that these extensions may be clinically significant. This sequence change disrupts the translational stop signal of the REEP1 mRNA. It is expected to extend the length of the REEP1 protein by 54 additional amino acid residues. In summary, the available evidence is currently insufficient to determine the role of this variant in disease. Therefore, it has been classified as a Variant of Uncertain Significance.

Literature cited by the submitters: PubMed 29124833.